The following is an entry in ClinVar:

NM_001999.4(FBN2):c.6931A>G (p.Met2311Val)

Gene: FBN2 (fibrillin 2; minus strand). Cytogenetic location: 5q23.3.
Variant type: single nucleotide variant.
Coding change: c.6931A>G on transcript NM_001999.4 (MANE Select); coding-DNA position 6931, A replaced by G.
Protein change: p.Met2311Val; replaces methionine 2311 with valine.
Molecular consequence: missense variant.
Genome position (GRCh38, 1-based): chr5:128,286,799, T>C on the plus strand (A>G on the coding strand, the complement: FBN2 is on the minus strand). VCF-style: chr5-128286799-T-C. GRCh37 (hg19) VCF-style: chr5-127622491-T-C.
Other names: p.M2311V:ATG>GTG; short protein forms M2311V.
Identifiers: ClinVar variation 129046 (VCV000129046.41), dbSNP rs32209, ClinGen allele CA288830.

ClinVar aggregate classification (germline): Benign. Review status: criteria provided, multiple submitters, no conflicts (2 of 4 stars). 11 submissions from 11 submitters: Benign (11). Last evaluated 2026-02-04.

Conditions:
Familial thoracic aortic aneurysm and aortic dissection (TAAD). Also called: Thoracic aortic aneurysms and dissections. Identifiers: Orphanet 91387, MedGen C4707243, MONDO:0019625.
Congenital contractural arachnodactyly (CCA). Also called: Arthrogryposis, distal, type 9; Beals-Hecht syndrome; BEALS SYNDROME. Identifiers: Orphanet 115, MedGen C0220668, MONDO:0007363, OMIM 121050.

Allele frequency attached by ClinVar (database versions not stated): ESP Exome Variant Server 0.09780; gnomAD 0.11103 and 0.11768; gnomAD exomes 0.11150; ExAC 0.11513; TOPMed 0.12154; 1000 Genomes Project 30x 0.22861; 1000 Genomes Project 0.23283.
gnomAD v4.1: 121,122 of 1,613,694 alleles (7.5%); highest among the groups gnomAD compares: East Asian, 60%; 12,708 homozygotes.

Submissions (21):

Labcorp Genetics (formerly Invitae), Labcorp
Classification: Benign for Congenital contractural arachnodactyly. Last evaluated: 2026-02-04. Review status: criteria provided, single submitter. Criteria: Invitae Variant Classification Sherloc (09022015). Collection method: clinical testing. Allele origin: germline.

ARUP Laboratories, Molecular Genetics and Genomics, ARUP Laboratories
Classification: Benign. Last evaluated: 2025-07-25. Review status: criteria provided, single submitter. Criteria: ARUP Molecular Germline Variant Investigation Process 2024. Collection method: clinical testing. Allele origin: germline.

Blueprint Genetics
Classification: Benign. Last evaluated: 2024-11-26. Review status: criteria provided, single submitter. Criteria: ACMG Guidelines, 2015. Collection method: clinical testing. Allele origin: germline.

Illumina Laboratory Services, Illumina
Classification: Benign for Congenital contractural arachnodactyly. Last evaluated: 2018-01-13. Review status: criteria provided, single submitter. Criteria: ICSL Variant Classification Criteria 13 December 2019. Collection method: clinical testing. Allele origin: germline.
Comment: This variant was observed in the ICSL laboratory as part of a predisposition screen in an ostensibly healthy population. It had not been previously curated by ICSL or reported in the Human Gene Mutation Database (HGMD: prior to June 1st, 2018), and was therefore a candidate for classification through an automated scoring system. Utilizing variant allele frequency, disease prevalence and penetrance estimates, and inheritance mode, an automated score was calculated to assess if this variant is too frequent to cause the disease. Based on the score and internal cut-off values, a variant classified as benign is not then subjected to further curation. The score for this variant resulted in a classification of benign for this disease.

Women's Health and Genetics/Laboratory Corporation of America, LabCorp
Classification: Benign. Last evaluated: 2017-03-22. Review status: criteria provided, single submitter. Criteria: LabCorp Variant Classification Summary - May 2015. Collection method: clinical testing. Allele origin: germline.
Comment: Variant summary: The FBN2 c.6931A>G (p.Met2311Val) variant involves the alteration of a conserved nucleotide, resulting in a missense substitution. 3/3 in silico tools predict a benign outcome for this variant (SNPs&GO and Mutation Taster not captured due to low reliability index and p-value, respectively). This variant was found in the large control database ExAC at a frequency of 0.1151322 (13966/121304 control chromosomes [2250 homozygotes]), which is approximately 92106 times the estimated maximal expected allele frequency of a pathogenic FBN2 variant (0.0000013), suggesting this variant is likely a benign polymorphism. In addition, multiple clinical diagnostic laboratories/reputable databases classified this variant as benign. To our knowledge, the variant of interest has not been reported in affected individuals via publications, nor has it been evaluated for functional impact by in vivo/vitro studies. Taken together, this variant is classified as benign.

Ambry Genetics
Classification: Benign for Familial thoracic aortic aneurysm and aortic dissection. Last evaluated: 2014-11-24. Review status: criteria provided, single submitter. Criteria: Ambry Variant Classification Scheme 2023. Collection method: clinical testing. Allele origin: germline.

Mayo Clinic Laboratories, Mayo Clinic
Classification: Benign. Last evaluated: 2014-04-17. Review status: criteria provided, single submitter. Criteria: ACMG Guidelines, 2015. Collection method: clinical testing. Allele origin: germline. Observed: 201 variant alleles.

Genetic Services Laboratory, University of Chicago
Classification: Benign for AllHighlyPenetrant. Last evaluated: 2013-08-15. Review status: criteria provided, single submitter. Criteria: ACMG Guidelines, 2007. Collection method: clinical testing. Allele origin: germline. Inheritance: Autosomal dominant inheritance.

Laboratory for Molecular Medicine, Mass General Brigham Personalized Medicine
Classification: Benign. Last evaluated: 2013-04-04. Review status: criteria provided, single submitter. Criteria: LMM Criteria. Collection method: clinical testing. Allele origin: germline. Observed: 5 variant alleles.
Comment: Met2311Val in exon 55 of FBN2: This variant is not expected to have clinical sig nificance because it has been identified in 20.7% (914/4406) of African American chromosomes from a broad population by the NHLBI Exome Sequencing Project (dbSNP rs32209).

GeneDx
Classification: Benign. Last evaluated: 2012-11-13. Review status: criteria provided, single submitter. Criteria: GeneDx Variant Classification (06012015). Collection method: clinical testing. Allele origin: germline. Affected: yes.
Comment: This variant is considered likely benign or benign based on one or more of the following criteria: it is a conservative change, it occurs at a poorly conserved position in the protein, it is predicted to be benign by multiple in silico algorithms, and/or has population frequency not consistent with disease.

PreventionGenetics, part of Exact Sciences
Classification: Benign. Review status: criteria provided, single submitter. Criteria: ACMG Guidelines, 2015. Collection method: clinical testing. Allele origin: germline.

Dr. Peter K. Rogan Lab, Western University
No classification provided (evidence only). Condition: Colorectal cancer. Review status: no classification provided. Collection method: in vitro. Allele origin: not applicable. Functional consequence: retained intron. Not counted in ClinVar's aggregate classification.

Dr. Peter K. Rogan Lab, Western University
No classification provided (evidence only). Condition: Thymoma. Review status: no classification provided. Collection method: in vitro. Allele origin: not applicable. Functional consequence: retained intron. Not counted in ClinVar's aggregate classification.

Dr. Peter K. Rogan Lab, Western University
No classification provided (evidence only). Condition: Thymoma. Review status: no classification provided. Collection method: in vitro. Allele origin: not applicable. Functional consequence: retained intron. Not counted in ClinVar's aggregate classification.

Dr. Peter K. Rogan Lab, Western University
No classification provided (evidence only). Condition: Adrenocortical carcinoma, hereditary. Review status: no classification provided. Collection method: in vitro. Allele origin: not applicable. Functional consequence: retained intron. Not counted in ClinVar's aggregate classification.

Dr. Peter K. Rogan Lab, Western University
No classification provided (evidence only). Condition: Adrenocortical carcinoma, hereditary. Review status: no classification provided. Collection method: in vitro. Allele origin: not applicable. Functional consequence: retained intron. Not counted in ClinVar's aggregate classification.

Dr. Peter K. Rogan Lab, Western University
No classification provided (evidence only). Condition: Adrenocortical carcinoma, hereditary. Review status: no classification provided. Collection method: in vitro. Allele origin: not applicable. Functional consequence: retained intron. Not counted in ClinVar's aggregate classification.

Dr. Peter K. Rogan Lab, Western University
No classification provided (evidence only). Condition: Adrenocortical carcinoma, hereditary. Review status: no classification provided. Collection method: in vitro. Allele origin: not applicable. Functional consequence: retained intron. Not counted in ClinVar's aggregate classification.

Dr. Peter K. Rogan Lab, Western University
No classification provided (evidence only). Condition: Uterine carcinosarcoma. Review status: no classification provided. Collection method: in vitro. Allele origin: not applicable. Functional consequence: retained intron. Not counted in ClinVar's aggregate classification.

Dr. Peter K. Rogan Lab, Western University
No classification provided (evidence only). Condition: Uterine carcinosarcoma. Review status: no classification provided. Collection method: in vitro. Allele origin: not applicable. Functional consequence: retained intron. Not counted in ClinVar's aggregate classification.

Dr. Peter K. Rogan Lab, Western University
No classification provided (evidence only). Condition: Uveal melanoma. Review status: no classification provided. Collection method: in vitro. Allele origin: not applicable. Functional consequence: retained intron. Not counted in ClinVar's aggregate classification.